The following is an entry in ClinVar:

NM_173630.4(RTTN):c.282G>T (p.Arg94=)

Gene: RTTN (rotatin; minus strand). Cytogenetic location: 18q22.2.
Variant type: single nucleotide variant.
Coding change: c.282G>T on transcript NM_173630.4 (MANE Select); coding-DNA position 282, G replaced by T.
Protein change: p.Arg94=; no amino-acid change (arginine 94 retained).
Molecular consequence: synonymous variant. On other transcripts: 5 prime UTR variant (1).
Genome position (GRCh38, 1-based): chr18:70,204,201, C>A on the plus strand (G>T on the coding strand, the complement: RTTN is on the minus strand). VCF-style: chr18-70204201-C-A. GRCh37 (hg19) VCF-style: chr18-67871437-C-A.
Other names: c.-2272G>T (NM_001318520.2).
Identifiers: ClinVar variation 444438 (VCV000444438.54), dbSNP rs199908033, ClinGen allele CA8996529.

ClinVar aggregate classification (germline): Benign/Likely benign. Review status: criteria provided, multiple submitters, no conflicts (2 of 4 stars). 5 submissions from 5 submitters: Benign (1); Likely benign (3). 1 of the submissions does not count toward it. Last evaluated 2026-01-26.

Conditions:
RTTN-related disorder. Also called: RTTN-related condition.

Allele frequency attached by ClinVar (database versions not stated): 1000 Genomes Project 30x 0.00016; 1000 Genomes Project 0.00020; gnomAD 0.00056 and 0.00057; TOPMed 0.00064; ESP Exome Variant Server 0.00125.
gnomAD v4.1: 1,359 of 1,614,114 alleles (0.084%); highest among the groups gnomAD compares: Middle Eastern, 0.3%; 2 homozygotes.

Submissions (5):

Labcorp Genetics (formerly Invitae), Labcorp
Classification: Benign. Last evaluated: 2026-01-26. Review status: criteria provided, single submitter. Criteria: Invitae Variant Classification Sherloc (09022015). Collection method: clinical testing. Allele origin: germline.

CeGaT Center for Human Genetics Tuebingen
Classification: Likely benign. Last evaluated: 2025-11-01. Review status: criteria provided, single submitter. Criteria: CeGaT Center For Human Genetics Tuebingen Variant Classification Criteria Version 2. Collection method: clinical testing. Allele origin: germline. Affected: yes. Observed: 9 variant alleles.
Comment: RTTN: BP4, BP7

Blueprint Genetics
Classification: Likely benign. Last evaluated: 2024-11-01. Review status: criteria provided, single submitter. Criteria: ACMG Guidelines, 2015. Collection method: clinical testing. Allele origin: germline.

GeneDx
Classification: Likely benign. Last evaluated: 2021-10-26. Review status: criteria provided, single submitter. Criteria: GeneDx Variant Classification Process June 2021. Collection method: clinical testing. Allele origin: germline. Affected: yes.

PreventionGenetics, part of Exact Sciences
Classification: Likely benign for RTTN-related condition. Last evaluated: 2020-02-24. Review status: no assertion criteria provided. Collection method: clinical testing. Allele origin: germline. Not counted in ClinVar's aggregate classification.
Comment: This variant is classified as likely benign based on ACMG/AMP sequence variant interpretation guidelines (Richards et al. 2015 PMID: 25741868, with internal and published modifications).